The following is an entry in ClinVar:

NM_005677.4(COLQ):c.106+6T>C

Gene: COLQ (collagen like tail subunit of asymmetric acetylcholinesterase; minus strand). Cytogenetic location: 3p25.1.
Variant type: single nucleotide variant.
Coding change: c.106+6T>C on transcript NM_005677.4 (MANE Select); 6 bases into the intron after coding-DNA position 106, T replaced by C.
Molecular consequence: intron variant.
Genome position (GRCh38, 1-based): chr3:15,521,514, A>G on the plus strand (T>C on the coding strand, the complement: COLQ is on the minus strand). VCF-style: chr3-15521514-A-G. GRCh37 (hg19) VCF-style: chr3-15563021-A-G.
Other names: c.106+6T>C (NM_080539.4).
Identifiers: ClinVar variation 287047 (VCV000287047.23), dbSNP rs201376373, ClinGen allele CA2276384.

ClinVar aggregate classification (germline): Conflicting classifications of pathogenicity. Review status: criteria provided, conflicting classifications (1 of 4 stars). 5 submissions from 5 submitters: Uncertain significance (2); Likely benign (2). 1 of the submissions does not count toward it. Last evaluated 2026-02-01.

Conditions:
COLQ-related disorder. Also called: COLQ-related condition.
Congenital myasthenic syndrome 5. Identifiers: Orphanet 590, MedGen C1864233, MONDO:0011281, OMIM 603034.

Allele frequency attached by ClinVar (database versions not stated): 1000 Genomes Project 30x 0.00047; 1000 Genomes Project 0.00060; ExAC 0.00080; gnomAD exomes 0.00100 and 0.00165; TOPMed 0.00117; gnomAD 0.00119; ESP Exome Variant Server 0.00138.
gnomAD v4.1: 2,572 of 1,614,130 alleles (0.16%); highest among the groups gnomAD compares: Non-Finnish European, 0.2%; 1 homozygote.

Submissions (5):

Labcorp Genetics (formerly Invitae), Labcorp
Classification: Likely benign for Congenital myasthenic syndrome 5. Last evaluated: 2026-02-01. Review status: criteria provided, single submitter. Criteria: Invitae Variant Classification Sherloc (09022015). Collection method: clinical testing. Allele origin: germline.

Blueprint Genetics
Classification: Likely benign. Last evaluated: 2024-10-28. Review status: criteria provided, single submitter. Criteria: ACMG Guidelines, 2015. Collection method: clinical testing. Allele origin: germline.

Illumina Laboratory Services, Illumina
Classification: Uncertain significance for Congenital myasthenic syndrome 5. Last evaluated: 2018-01-13. Review status: criteria provided, single submitter. Criteria: ICSL Variant Classification Criteria 13 December 2019. Collection method: clinical testing. Allele origin: germline.

Eurofins Ntd Llc (ga)
Classification: Uncertain significance. Last evaluated: 2016-04-20. Review status: criteria provided, single submitter. Criteria: EGL Classification Definitions 2015. Collection method: clinical testing. Allele origin: germline. Observed: 1 variant allele, 1 heterozygote.

PreventionGenetics, part of Exact Sciences
Classification: Likely benign for COLQ-related condition. Last evaluated: 2021-04-02. Review status: no assertion criteria provided. Collection method: clinical testing. Allele origin: germline. Not counted in ClinVar's aggregate classification.
Comment: This variant is classified as likely benign based on ACMG/AMP sequence variant interpretation guidelines (Richards et al. 2015 PMID: 25741868, with internal and published modifications).